The following is an entry in ClinVar:

NM_000213.5(ITGB4):c.469+1G>A

Gene: ITGB4 (integrin subunit beta 4; plus strand). Cytogenetic location: 17q25.1.
Variant type: single nucleotide variant.
Coding change: c.469+1G>A on transcript NM_000213.5 (MANE Select); the canonical splice donor site of the intron after coding-DNA position 469, G replaced by A.
Molecular consequence: splice donor variant.
Genome position (GRCh38, 1-based): chr17:75,727,856, G>A. VCF-style: chr17-75727856-G-A. GRCh37 (hg19) VCF-style: chr17-73723937-G-A.
Other names: c.469+1G>A (NM_001005619.2, NM_001005731.3, NM_001438834.1 and 1 more transcripts).
Identifiers: ClinVar variation 2834874 (VCV002834874.3), dbSNP rs373541993, ClinGen allele CA401039266.

ClinVar aggregate classification (germline): Likely pathogenic (1 of 4 stars; one submission).

Submission:

Labcorp Genetics (formerly Invitae), Labcorp
Classification: Likely pathogenic. Last evaluated: 2023-10-17. Review status: criteria provided, single submitter. Criteria: Invitae Variant Classification Sherloc (09022015). Collection method: clinical testing. Allele origin: germline.
Comment: This sequence change affects a donor splice site in intron 5 of the ITGB4 gene. It is expected to disrupt RNA splicing. Variants that disrupt the donor or acceptor splice site typically lead to a loss of protein function (PMID: 16199547), and loss-of-function variants in ITGB4 are known to be pathogenic (PMID: 11328943, 16473856). This variant is not present in population databases (gnomAD no frequency). This variant has not been reported in the literature in individuals affected with ITGB4-related conditions. Algorithms developed to predict the effect of sequence changes on RNA splicing suggest that this variant may disrupt the consensus splice site. In summary, the currently available evidence indicates that the variant is pathogenic, but additional data are needed to prove that conclusively. Therefore, this variant has been classified as Likely Pathogenic.

Literature cited by the submitters: PubMed 16199547; PubMed 11328943; PubMed 16473856.